The following is an entry in ClinVar:

ClinVar aggregate classification (germline): Uncertain significance (1 of 4 stars; one submission).

gnomAD v4.1: 1 of 1,613,766 alleles (0.000062%); highest among the groups gnomAD compares: Non-Finnish European, 0.000085%; no homozygotes.

Submission:

Labcorp Genetics (formerly Invitae), Labcorp
Classification: Uncertain significance. Last evaluated: 2025-04-30. Review status: criteria provided, single submitter. Criteria: Invitae Variant Classification Sherloc (09022015). Collection method: clinical testing. Allele origin: germline.
Comment: This sequence change replaces arginine, which is basic and polar, with histidine, which is basic and polar, at codon 442 of the ATP6V1A protein (p.Arg442His). This variant is not present in population databases (gnomAD no frequency). This variant has not been reported in the literature in individuals affected with ATP6V1A-related conditions. Invitae Evidence Modeling of protein sequence and biophysical properties (such as structural, functional, and spatial information, amino acid conservation, physicochemical variation, residue mobility, and thermodynamic stability) indicates that this missense variant is expected to disrupt ATP6V1A protein function with a positive predictive value of 80%. In summary, the available evidence is currently insufficient to determine the role of this variant in disease. Therefore, it has been classified as a Variant of Uncertain Significance.

NM_001690.4(ATP6V1A):c.1325G>A (p.Arg442His)

Gene: ATP6V1A (ATPase H+ transporting V1 subunit A; plus strand). Cytogenetic location: 3q13.31.
Variant type: single nucleotide variant.
Coding change: c.1325G>A on transcript NM_001690.4 (MANE Select); coding-DNA position 1325, G replaced by A.
Protein change: p.Arg442His; replaces arginine 442 with histidine.
Molecular consequence: missense variant.
Genome position (GRCh38, 1-based): chr3:113,798,277, G>A. VCF-style: chr3-113798277-G-A. GRCh37 (hg19) VCF-style: chr3-113517124-G-A.
Other names: short protein forms R442H.
Identifiers: ClinVar variation 4769977 (VCV004769977.1).